The following is an entry in ClinVar:

NM_001365536.1(SCN9A):c.2356A>G (p.Ile786Val)

Genes: SCN1A-AS1 (SCN1A and SCN9A antisense RNA 1; plus strand), SCN9A (sodium voltage-gated channel alpha subunit 9; minus strand). Cytogenetic location: 2q24.3.
Variant type: single nucleotide variant.
Coding change: c.2356A>G on transcript NM_001365536.1 (MANE Select); coding-DNA position 2356, A replaced by G.
Protein change: p.Ile786Val; replaces isoleucine 786 with valine.
Molecular consequence: missense variant.
Genome position (GRCh38, 1-based): chr2:166,278,301, T>C on the plus strand (A>G on the coding strand, the complement: SCN9A is on the minus strand). VCF-style: chr2-166278301-T-C. GRCh37 (hg19) VCF-style: chr2-167134811-T-C.
Other names: c.2323A>G, p.Ile775Val (NM_002977.4); short protein forms I786V, I775V.
Identifiers: ClinVar variation 2948989 (VCV002948989.3), dbSNP rs2468010469, ClinGen allele CA349078521.

ClinVar aggregate classification (germline): Uncertain significance (1 of 4 stars; one submission).

Conditions:
Neuropathy, hereditary sensory and autonomic, type 2A (HSAN2A). Also called: ACROOSTEOLYSIS, GIACCAI TYPE; ACROOSTEOLYSIS, NEUROGENIC; MORVAN DISEASE; NEUROPATHY, CONGENITAL SENSORY; NEUROPATHY, HEREDITARY SENSORY RADICULAR, AUTOSOMAL RECESSIVE; NEUROPATHY, HEREDITARY SENSORY, TYPE IIA. Identifiers: Orphanet 970, MedGen C2752089, MONDO:0024309, OMIM 201300.
Generalized epilepsy with febrile seizures plus, type 7 (GEFSP7). Also called: GEFS+, TYPE 7. Identifiers: Orphanet 36387, MedGen C2751778, MONDO:0013470, OMIM 613863.

Allele frequency attached by ClinVar (database versions not stated): gnomAD exomes below 0.00001.
gnomAD v4.1: 1 of 1,602,434 alleles (0.000062%); highest among the groups gnomAD compares: Non-Finnish European, 0.000085%; no homozygotes.

Submission:

Labcorp Genetics (formerly Invitae), Labcorp
Classification: Uncertain significance for Neuropathy, hereditary sensory and autonomic, type 2A; Generalized epilepsy with febrile seizures plus, type 7. Last evaluated: 2024-04-10. Review status: criteria provided, single submitter. Criteria: Invitae Variant Classification Sherloc (09022015). Collection method: clinical testing. Allele origin: germline.
Comment: This sequence change replaces isoleucine, which is neutral and non-polar, with valine, which is neutral and non-polar, at codon 775 of the SCN9A protein (p.Ile775Val). This variant is not present in population databases (gnomAD no frequency). This variant has not been reported in the literature in individuals affected with SCN9A-related conditions. Advanced modeling of protein sequence and biophysical properties (such as structural, functional, and spatial information, amino acid conservation, physicochemical variation, residue mobility, and thermodynamic stability) performed at Invitae indicates that this missense variant is not expected to disrupt SCN9A protein function with a negative predictive value of 95%. In summary, the available evidence is currently insufficient to determine the role of this variant in disease. Therefore, it has been classified as a Variant of Uncertain Significance.